The following is an entry in ClinVar:

NM_001711.6(BGN):c.682C>T (p.Pro228Ser)

Gene: BGN (biglycan; plus strand). Cytogenetic location: Xq28.
Variant type: single nucleotide variant.
Coding change: c.682C>T on transcript NM_001711.6 (MANE Select); coding-DNA position 682, C replaced by T.
Protein change: p.Pro228Ser; replaces proline 228 with serine.
Molecular consequence: missense variant.
Genome position (GRCh38, 1-based): chrX:153,506,835, C>T. VCF-style: chrX-153506835-C-T. GRCh37 (hg19) VCF-style: chrX-152772293-C-T.
Other names: short protein forms P228S.
Identifiers: ClinVar variation 1033441 (VCV001033441.1), dbSNP rs2089804261, ClinGen allele CA415070958.
Genomic context (GRCh38, chrX:153,506,835, plus strand): 5'-TAGGGCCCCTGCCCTCAGCACCTGCATTCTCCCCTGTGCCCTCTTCTCCTGGCAGACCTC[C>T]CTGAGACCCTGAATGAACTCCACCTAGACCACAACAAAATCCAGGCCATCGAACTGGAGG-3'
Protein context (NP_001702.1, residues 218-238): AKLTGIPKDL[Pro228Ser]ETLNELHLDH

ClinVar aggregate classification (germline): Uncertain significance (1 of 4 stars; one submission).

Conditions:
X-linked spondyloepimetaphyseal dysplasia. Identifiers: Orphanet 93349, MedGen C1848097, MONDO:0010248, OMIM 300106.

Allele frequency attached by ClinVar (database versions not stated): gnomAD exomes below 0.00001.
gnomAD v4.1: 1 of 1,211,089 alleles (0.000083%); highest among the groups gnomAD compares: Non-Finnish European, 0.00011%; no homozygotes.

Submission:

Baylor Genetics
Classification: Uncertain significance for X-linked spondyloepimetaphyseal dysplasia. Last evaluated: 2018-08-22. Review status: criteria provided, single submitter. Criteria: ACMG Guidelines, 2015. Collection method: clinical testing. Allele origin: unknown. Affected: yes.
Comment: This variant was determined to be of uncertain significance according to ACMG Guidelines, 2015 [PMID:25741868].